The following is an entry in ClinVar:

ClinVar aggregate classification (germline): Pathogenic/Likely pathogenic. Review status: criteria provided, multiple submitters, no conflicts (2 of 4 stars). 2 submissions from 2 submitters: Pathogenic (1); Likely pathogenic (1). Last evaluated 2025-08-18.

Conditions:
VPS13A-related neurodegenerative disease. Also called: LEVINE-CRITCHLEY SYNDROME; Choreaacanthocytosis; ACANTHOCYTOSIS WITH NEUROLOGIC DISORDER; VPS13A Disease; Choreoacanthocytosis; Chorea-acanthocytosis. Identifiers: Orphanet 2388, MedGen C0393576, MONDO:0008695, OMIM 200150.

Submissions (2):

Myriad Genetics, Inc.
Classification: Pathogenic for VPS13A-related neurodegenerative disease. Last evaluated: 2025-08-18. Review status: criteria provided, single submitter. Criteria: Myriad Autosomal Dominant, Autosomal Recessive and X-Linked Classification Criteria (2023). Collection method: clinical testing. Allele origin: unknown.
Comment: NM_033305.2(VPS13A):c.3358A>T(K1120*) is expected to be pathogenic in the context of VPS13A disease. This variant is predicted to lead to an abnormal or absent protein product due to the creation of a premature termination codon in VPS13A, a gene where loss-of-function variants are known to be pathogenic. Please note: this variant was assessed in the context of healthy population screening.

Juno Genomics, Hangzhou Juno Genomics, Inc
Classification: Likely pathogenic for VPS13A-related neurodegenerative disease. Review status: criteria provided, single submitter. Criteria: ACMG Guidelines, 2015. Collection method: clinical testing. Allele origin: germline.
Comment: Absent from controls (or at extremely low frequency if recessive) in Genome Aggregation Database.;Null variant in a gene where loss of function (LOF) is a known mechanism of disease.

NM_033305.3(VPS13A):c.3358A>T (p.Lys1120Ter)

Gene: VPS13A (vacuolar protein sorting 13 homolog A; plus strand). Cytogenetic location: 9q21.2.
Variant type: single nucleotide variant.
Coding change: c.3358A>T on transcript NM_033305.3 (MANE Select); coding-DNA position 3358, A replaced by T.
Protein change: p.Lys1120Ter; replaces lysine 1120 with a stop codon.
Molecular consequence: nonsense.
Genome position (GRCh38, 1-based): chr9:77,293,359, A>T. VCF-style: chr9-77293359-A-T. GRCh37 (hg19) VCF-style: chr9-79908275-A-T.
Other names: c.3241A>T, p.Lys1081Ter (NM_001018037.2); c.3358A>T, p.Lys1120Ter (NM_001018038.3, NM_015186.4); short protein forms K1081*, K1120*.
Identifiers: ClinVar variation 5014878 (VCV005014878.3).